The following is an entry in ClinVar:

ClinVar aggregate classification (germline): Likely benign. Review status: criteria provided, single submitter (1 of 4 stars). 2 submissions from 2 submitters: Likely benign (1). 1 of the submissions does not count toward it. Last evaluated 2026-01-25.

Conditions:
PCNT-related disorder. Also called: PCNT-related condition.

Allele frequency attached by ClinVar (database versions not stated): gnomAD exomes 0.00016 and 0.00037; TOPMed 0.00018; gnomAD 0.00019; ExAC 0.00021; ESP Exome Variant Server 0.00062.
gnomAD v4.1: 564 of 1,613,992 alleles (0.035%); highest among the groups gnomAD compares: Non-Finnish European, 0.046%; no homozygotes.

Submissions (2):

Labcorp Genetics (formerly Invitae), Labcorp
Classification: Likely benign. Last evaluated: 2026-01-25. Review status: criteria provided, single submitter. Criteria: Invitae Variant Classification Sherloc (09022015). Collection method: clinical testing. Allele origin: germline.

PreventionGenetics, part of Exact Sciences
Classification: Likely benign for PCNT-related condition. Last evaluated: 2021-05-21. Review status: no assertion criteria provided. Collection method: clinical testing. Allele origin: germline. Not counted in ClinVar's aggregate classification.
Comment: This variant is classified as likely benign based on ACMG/AMP sequence variant interpretation guidelines (Richards et al. 2015 PMID: 25741868, with internal and published modifications).

NM_006031.6(PCNT):c.9138C>T (p.Asp3046=)

Gene: PCNT (pericentrin; plus strand). Cytogenetic location: 21q22.3.
Variant type: single nucleotide variant.
Coding change: c.9138C>T on transcript NM_006031.6 (MANE Select); coding-DNA position 9138, C replaced by T.
Protein change: p.Asp3046=; no amino-acid change (aspartic acid 3046 retained).
Molecular consequence: synonymous variant.
Genome position (GRCh38, 1-based): chr21:46,438,202, C>T. VCF-style: chr21-46438202-C-T. GRCh37 (hg19) VCF-style: chr21-47858115-C-T.
Other names: c.9138C>T (NM_006031.5); c.8547C>T, p.Asp2849= (NM_001315529.2).
Identifiers: ClinVar variation 1594718 (VCV001594718.10), dbSNP rs141856476, ClinGen allele CA10081223.